The following is an entry in ClinVar:

ClinVar aggregate classification (germline): Conflicting classifications of pathogenicity. Review status: criteria provided, conflicting classifications (1 of 4 stars). 7 submissions from 7 submitters: Likely pathogenic (1); Uncertain significance (6). Last evaluated 2026-01-14.

Conditions:
Marfan syndrome (MFS). Also called: FBN1-Related Marfan Syndrome; MARFAN SYNDROME, TYPE I; Marfan syndrome type 1; Marfan's syndrome; Marfan syndrome, classic. Identifiers: Orphanet 284963, Orphanet 558, MedGen C0024796, MONDO:0007947, OMIM 154700.
Stiff skin syndrome (SSKS). Identifiers: Orphanet 2833, MedGen C1861456, MONDO:0008492, OMIM 184900.
Progeroid and marfanoid aspect-lipodystrophy syndrome. Also called: MARFANOID-PROGEROID SYNDROME; MARFAN-PROGEROID-LIPODYSTROPHY SYNDROME; Marfan lipodystrophy syndrome; MARFANOID-PROGEROID-LIPODYSTROPHY SYNDROME. Identifiers: Orphanet 300382, MedGen C4310796, MONDO:0014831, OMIM 616914.
Ectopia lentis 1, isolated, autosomal dominant (ECTOL1). Identifiers: Orphanet 1885, MedGen C3541518, MONDO:0007514, OMIM 129600.
MASS syndrome (OCTD). Also called: MASS PHENOTYPE; OVERLAP CONNECTIVE TISSUE DISEASE. Identifiers: MedGen C1858556, MONDO:0011431, OMIM 604308.
Weill-Marchesani syndrome 2, dominant. Also called: FBN1-Related Weill-Marchesani Syndrome; Weill-Marchesani Syndrome, Autosomal Dominant. Identifiers: Orphanet 2084, MedGen C1869115, MONDO:0012013, OMIM 608328.
Acromicric dysplasia (ACMICD). Also called: Acromicric skeletal dysplasia. Identifiers: Orphanet 969, MedGen C0265287, MONDO:0007055, OMIM 102370.
Geleophysic dysplasia 2 (GPHYSD2). Identifiers: Orphanet 2623, MedGen C3280054, MONDO:0013612, OMIM 614185.
Familial thoracic aortic aneurysm and aortic dissection (TAAD). Also called: Thoracic aortic aneurysms and dissections. Identifiers: Orphanet 91387, MedGen C4707243, MONDO:0019625.

Allele frequency attached by ClinVar (database versions not stated): gnomAD exomes below 0.00001; TOPMed below 0.00001; gnomAD 0.00001.
gnomAD v4.1: 5 of 1,613,744 alleles (0.00031%); highest among the groups gnomAD compares: Non-Finnish European, 0.00042%; no homozygotes.

Submissions (7):

Labcorp Genetics (formerly Invitae), Labcorp
Classification: Likely pathogenic for Marfan syndrome; Familial thoracic aortic aneurysm and aortic dissection. Last evaluated: 2026-01-14. Review status: criteria provided, single submitter. Criteria: Invitae Variant Classification Sherloc (09022015). Collection method: clinical testing. Allele origin: germline.
Comment: This sequence change replaces tyrosine, which is neutral and polar, with asparagine, which is neutral and polar, at codon 1311 of the FBN1 protein (p.Tyr1311Asn). This variant is present in population databases (no rsID available, gnomAD 0.0009%). This missense change has been observed in individual(s) with clinical features of Marfan syndrome (PMID: 25652356). ClinVar contains an entry for this variant (Variation ID: 979123). Invitae Evidence Modeling of protein sequence and biophysical properties (such as structural, functional, and spatial information, amino acid conservation, physicochemical variation, residue mobility, and thermodynamic stability) indicates that this missense variant is expected to disrupt FBN1 protein function with a positive predictive value of 95%. This variant disrupts the p.Tyr1311 amino acid residue in FBN1. Other variant(s) that disrupt this residue have been determined to be pathogenic (PMID: 27906200, 31131229). This suggests that this residue is clinically significant, and that variants that disrupt this residue are likely to be disease-causing. In summary, the currently available evidence indicates that the variant is pathogenic, but additional data are needed to prove that conclusively. Therefore, this variant has been classified as Likely Pathogenic.

Women's Health and Genetics/Laboratory Corporation of America, LabCorp
Classification: Uncertain significance. Last evaluated: 2024-12-09. Review status: criteria provided, single submitter. Criteria: LabCorp Variant Classification Summary - May 2015. Collection method: clinical testing. Allele origin: germline.
Comment: Variant summary: FBN1 c.3931T>A (p.Tyr1311Asn) results in a non-conservative amino acid change located in the EGF-like domain (IPR000742) of the encoded protein sequence. Five of five in-silico tools predict a damaging effect of the variant on protein function. The variant allele was found at a frequency of 4e-06 in 251280 control chromosomes. c.3931T>A has been reported in the literature in two individuals in one family affected with clinical features of Marfan Syndrome (Baudhuin_2015). These data indicate that the variant may be associated with disease. To our knowledge, no experimental evidence demonstrating an impact on protein function has been reported. The following publication have been ascertained in the context of this evaluation (PMID: 25652356). ClinVar contains an entry for this variant (Variation ID: 979123). Based on the evidence outlined above, the variant was classified as VUS-possibly pathogenic.

Ambry Genetics
Classification: Uncertain significance for Familial thoracic aortic aneurysm and aortic dissection. Last evaluated: 2024-11-26. Review status: criteria provided, single submitter. Criteria: Ambry Variant Classification Scheme 2023. Collection method: clinical testing. Allele origin: germline.
Comment: The p.Y1311N variant (also known as c.3931T>A), located in coding exon 31 of the FBN1 gene, results from a T to A substitution at nucleotide position 3931. The tyrosine at codon 1311 is replaced by asparagine, an amino acid with dissimilar properties. This variant was reported in individual(s) with features consistent with Marfan syndrome (Baudhuin LM et al. J Hum Genet, 2015 May;60:241-52). This amino acid position is well conserved in available vertebrate species. In addition, this alteration is predicted to be deleterious by in silico analysis. Based on the available evidence, the clinical significance of this variant remains unclear.

GeneDx
Classification: Uncertain significance. Last evaluated: 2024-03-15. Review status: criteria provided, single submitter. Criteria: GeneDx Variant Classification Process June 2021. Collection method: clinical testing. Allele origin: germline. Affected: yes.
Comment: Has been reported in association with an FBN1-related phenotype (PMID: 25652356); Not observed at significant frequency in large population cohorts (gnomAD); In silico analysis supports that this missense variant has a deleterious effect on protein structure/function; Although located in a calcium-binding EGF-like domain of the FBN1 gene, it does not affect a cysteine residue within this domain; cysteine substitutions in the calcium-binding EGF-like domains represent the majority of pathogenic missense changes associated with FBN1-related disorders (PMID: 12938084); This variant is associated with the following publications: (PMID: 12938084, 25652356)

AiLife Diagnostics
Classification: Uncertain significance. Last evaluated: 2022-02-02. Review status: criteria provided, single submitter. Criteria: ACMG Guidelines, 2015. Collection method: clinical testing. Allele origin: germline. Affected: yes. Observed: 1 variant allele.

Fulgent Genetics
Classification: Uncertain significance for Acromicric dysplasia; Ectopia lentis 1, isolated, autosomal dominant; Marfan syndrome; Stiff skin syndrome; MASS syndrome; Weill-Marchesani syndrome 2, dominant; Geleophysic dysplasia 2; Progeroid and marfanoid aspect-lipodystrophy syndrome. Last evaluated: 2021-10-16. Review status: criteria provided, single submitter. Criteria: ACMG Guidelines, 2015. Collection method: clinical testing. Allele origin: unknown.

Human Genome Sequencing Center Clinical Lab, Baylor College of Medicine
Classification: Uncertain significance for Marfan syndrome. Review status: criteria provided, single submitter. Criteria: ACMG Guidelines, 2015. Collection method: clinical testing. Allele origin: germline.

Literature cited by the submitters: PubMed 25652356 (cited by 3 submitters); PubMed 27906200 (cited by Labcorp Genetics (formerly Invitae), Labcorp); PubMed 31131229 (cited by Labcorp Genetics (formerly Invitae), Labcorp).

NM_000138.5(FBN1):c.3931T>A (p.Tyr1311Asn)

Gene: FBN1 (fibrillin 1; minus strand). Cytogenetic location: 15q21.1.
Variant type: single nucleotide variant.
Coding change: c.3931T>A on transcript NM_000138.5 (MANE Select); coding-DNA position 3931, T replaced by A.
Protein change: p.Tyr1311Asn; replaces tyrosine 1311 with asparagine.
Molecular consequence: missense variant.
Genome position (GRCh38, 1-based): chr15:48,481,688, A>T on the plus strand (T>A on the coding strand, the complement: FBN1 is on the minus strand). VCF-style: chr15-48481688-A-T. GRCh37 (hg19) VCF-style: chr15-48773885-A-T.
Other names: short protein forms Y1311N.
Identifiers: ClinVar variation 979123 (VCV000979123.12), dbSNP rs1406315227, ClinGen allele CA392322261.